The following is an entry in ClinVar:

ClinVar aggregate classification (germline): Likely benign (1 of 4 stars; one submission).

Submission:

CeGaT Center for Human Genetics Tuebingen
Classification: Likely benign. Last evaluated: 2024-03-01. Review status: criteria provided, single submitter. Criteria: CeGaT Center For Human Genetics Tuebingen Variant Classification Criteria Version 2. Collection method: clinical testing. Allele origin: germline. Affected: yes. Observed: 1 variant allele.
Comment: GJC2: BP4, BP7

NM_020435.4(GJC2):c.909C>A (p.Gly303=)

Gene: GJC2 (gap junction protein gamma 2; plus strand). Cytogenetic location: 1q42.13.
Variant type: single nucleotide variant.
Coding change: c.909C>A on transcript NM_020435.4 (MANE Select); coding-DNA position 909, C replaced by A.
Protein change: p.Gly303=; no amino-acid change (glycine 303 retained).
Molecular consequence: synonymous variant.
Genome position (GRCh38, 1-based): chr1:228,158,667, C>A. VCF-style: chr1-228158667-C-A. GRCh37 (hg19) VCF-style: chr1-228346368-C-A.
Identifiers: ClinVar variation 3067586 (VCV003067586.21), dbSNP rs768677890, ClinGen allele CA423739154.